The following is an entry in ClinVar:

NM_024642.5(GALNT12):c.879G>A (p.Arg293=)

Gene: GALNT12 (polypeptide N-acetylgalactosaminyltransferase 12; plus strand). Cytogenetic location: 9q22.33.
Variant type: single nucleotide variant.
Coding change: c.879G>A on transcript NM_024642.5 (MANE Select); coding-DNA position 879, G replaced by A.
Protein change: p.Arg293=; no amino-acid change (arginine 293 retained).
Molecular consequence: synonymous variant.
Genome position (GRCh38, 1-based): chr9:98,831,919, G>A. VCF-style: chr9-98831919-G-A. GRCh37 (hg19) VCF-style: chr9-101594201-G-A.
Identifiers: ClinVar variation 5042334 (VCV005042334.1).
Genomic context (GRCh38, chr9:98,831,919, plus strand): 5'-GCCCCAGATCGGCGGTTTCGACTGGAGGCTGGTGTTCACGTGGCACACAGTTCCTGAGAG[G>A]GAGAGGATACGGATGCAATCCCCCGTCGATGTCATCAGGTCAGGAGCTGACTTCTGGGTG-3'
Protein context (NP_078918.3, residues 283-303): LVFTWHTVPE[Arg293=]ERIRMQSPVD

ClinVar aggregate classification (germline): Benign (1 of 4 stars; one submission).

Conditions:
Colorectal cancer, susceptibility to, 1. Also called: COLORECTAL ADENOMA AND CANCER, SUSCEPTIBILITY TO; COLORECTAL CANCER, SUSCEPTIBILITY TO, ON CHROMOSOME 9. Identifiers: MedGen C1837315, MONDO:0012132, OMIM 608812.

gnomAD v4.1: 2 of 1,614,110 alleles (0.00012%); highest among the groups gnomAD compares: Non-Finnish European, 0.000085%; no homozygotes.

Submission:

Myriad Genetics, Inc.
Classification: Benign for Colorectal cancer, susceptibility to, 1. Last evaluated: 2026-09-11. Review status: criteria provided, single submitter. Criteria: Myriad Autosomal Dominant, Autosomal Recessive and X-Linked Classification Criteria (2023). Collection method: clinical testing. Allele origin: unknown.
Comment: This variant is considered benign. This variant is a silent/synonymous amino acid change and it is not expected to impact splicing.